The following is an entry in ClinVar:

ClinVar aggregate classification (germline): Uncertain significance (1 of 4 stars; one submission).

Submission:

Ambry Genetics
Classification: Uncertain significance. Last evaluated: 2024-03-24. Review status: criteria provided, single submitter. Criteria: Ambry Variant Classification Scheme 2023. Collection method: clinical testing. Allele origin: germline.
Comment: The p.E272Q variant (also known as c.814G>C), located in coding exon 6 of the RECQL gene, results from a G to C substitution at nucleotide position 814. The glutamic acid at codon 272 is replaced by glutamine, an amino acid with highly similar properties. This amino acid position is conserved. In addition, this alteration is predicted to be tolerated by in silico analysis. Based on the available evidence, the clinical significance of this alteration remains unclear.

NM_002907.4(RECQL):c.814G>C (p.Glu272Gln)

Gene: RECQL (RecQ like helicase; minus strand). Cytogenetic location: 12p12.1.
Variant type: single nucleotide variant.
Coding change: c.814G>C on transcript NM_002907.4 (MANE Select); coding-DNA position 814, G replaced by C.
Protein change: p.Glu272Gln; replaces glutamic acid 272 with glutamine.
Molecular consequence: missense variant.
Genome position (GRCh38, 1-based): chr12:21,477,856, C>G on the plus strand (G>C on the coding strand, the complement: RECQL is on the minus strand). VCF-style: chr12-21477856-C-G. GRCh37 (hg19) VCF-style: chr12-21630790-C-G.
Other names: c.814G>C, p.Glu272Gln (NM_032941.3); short protein forms E272Q.
Identifiers: ClinVar variation 3313493 (VCV003313493.1).